The following is an entry in ClinVar:

NM_002474.3(MYH11):c.726+2dup

Gene: MYH11 (myosin heavy chain 11; minus strand). Cytogenetic location: 16p13.11.
Variant type: Duplication.
Coding change: c.726+2dup on transcript NM_002474.3 (MANE Select); the canonical splice donor site of the intron after coding-DNA position 726, one base duplicated (T; older notation c.726+2dupT).
Molecular consequence: splice donor variant.
Genome position (GRCh38, 1-based): chr16:15,782,383, A duplicated on the plus strand (T on the coding strand, the reverse complement: MYH11 is on the minus strand). VCF-style (leftmost placement, unchanged base first): chr16-15782382-T-TA. GRCh37 (hg19) VCF-style: chr16-15876239-T-TA.
Other names: c.726+2dup (NM_022844.3); c.747+2dup (NM_001040114.2, NM_001040113.2).
Identifiers: ClinVar variation 1331879 (VCV001331879.4), dbSNP rs2151303032, ClinGen allele CA2573054145.
Genomic context (GRCh38, chr16:15,782,382, plus strand): 5'-CAGCCCCAGGCAGGAGATGACACCAAAGCTTTTCTGGAAAATCCATGTGGCTTTGCTACT[T>TA]ACGAATCGTGAGGAGTTGTCGTTCTTCACTGTTTTGGCGTTGCCGAAAGCCTCCAGAATC-3'

ClinVar aggregate classification (germline): Uncertain significance (1 of 4 stars; one submission).

Conditions:
Familial thoracic aortic aneurysm and aortic dissection (TAAD). Also called: Thoracic aortic aneurysms and dissections. Identifiers: Orphanet 91387, MedGen C4707243, MONDO:0019625.

Submission:

Color Diagnostics, LLC DBA Color Health
Classification: Uncertain significance for Familial thoracic aortic aneurysm and aortic dissection. Last evaluated: 2022-03-17. Review status: criteria provided, single submitter. Criteria: ACMG Guidelines, 2015. Collection method: clinical testing. Allele origin: germline.
Comment: This variant alters the intron 7 canonical splice donor site of the MYH11 gene. Splice prediction tools suggest that this variant may disrupt RNA splicing. To our knowledge, functional studies have not been reported for this variant. This variant has not been reported in individuals affected with cardiovascular disorders in the literature. This variant has not been identified in the general population by the Genome Aggregation Database (gnomAD). The role of loss-of-function MYH11 truncation and splice variants in autosomal dominant cardiovascular disorders is not clearly established. The available evidence is insufficient to determine the role of this variant in disease conclusively. Therefore, this variant is classified as a Variant of Uncertain Significance.